The following is an entry in ClinVar:

ClinVar aggregate classification (germline): Likely benign. Review status: criteria provided, multiple submitters, no conflicts (2 of 4 stars). 3 submissions from 3 submitters: Likely benign (3). Last evaluated 2025-11-03.

Conditions:
Hereditary cancer-predisposing syndrome. Also called: Neoplastic Syndromes, Hereditary; Tumor predisposition; Hereditary neoplastic syndrome; Hereditary Cancer Syndrome. Identifiers: Orphanet 140162, MedGen C0027672, MeSH D009386, MONDO:0015356.

Submissions (3):

Labcorp Genetics (formerly Invitae), Labcorp
Classification: Likely benign. Last evaluated: 2025-11-03. Review status: criteria provided, single submitter. Criteria: Invitae Variant Classification Sherloc (09022015). Collection method: clinical testing. Allele origin: germline.

CeGaT Center for Human Genetics Tuebingen
Classification: Likely benign. Last evaluated: 2025-05-01. Review status: criteria provided, single submitter. Criteria: CeGaT Center For Human Genetics Tuebingen Variant Classification Criteria Version 2. Collection method: clinical testing. Allele origin: germline. Affected: yes. Observed: 1 variant allele.
Comment: NTHL1: PM2:Supporting, BP4, BP7

Ambry Genetics
Classification: Likely benign for Hereditary cancer-predisposing syndrome. Last evaluated: 2020-12-24. Review status: criteria provided, single submitter. Criteria: Ambry Variant Classification Scheme 2023. Collection method: clinical testing. Allele origin: germline.

NM_002528.7(NTHL1):c.594C>T (p.Ala198=)

Gene: NTHL1 (nth like DNA glycosylase 1; minus strand). Cytogenetic location: 16p13.3.
Variant type: single nucleotide variant.
Coding change: c.594C>T on transcript NM_002528.7 (MANE Select); coding-DNA position 594, C replaced by T.
Protein change: p.Ala198=; no amino-acid change (alanine 198 retained).
Molecular consequence: synonymous variant.
Genome position (GRCh38, 1-based): chr16:2,043,658, G>A on the plus strand (C>T on the coding strand, the complement: NTHL1 is on the minus strand). VCF-style: chr16-2043658-G-A. GRCh37 (hg19) VCF-style: chr16-2093659-G-A.
Other names: c.423C>T, p.Ala141= (NM_001318193.2); c.264C>T, p.Ala88= (NM_001318194.2).
Identifiers: ClinVar variation 1087527 (VCV001087527.21), dbSNP rs1372740198, ClinGen allele CA492952062.